The following is an entry in ClinVar:

ClinVar aggregate classification (germline): Uncertain significance (1 of 4 stars; one submission).

gnomAD v4.1: 5 of 1,613,864 alleles (0.00031%); highest among the groups gnomAD compares: African/African-American, 0.0027%; no homozygotes.

Submission:

Labcorp Genetics (formerly Invitae), Labcorp
Classification: Uncertain significance. Last evaluated: 2024-11-18. Review status: criteria provided, single submitter. Criteria: Invitae Variant Classification Sherloc (09022015). Collection method: clinical testing. Allele origin: germline.
Comment: This sequence change replaces proline, which is neutral and non-polar, with leucine, which is neutral and non-polar, at codon 505 of the TRIM8 protein (p.Pro505Leu). This variant is present in population databases (no rsID available, gnomAD 0.02%). This variant has not been reported in the literature in individuals affected with TRIM8-related conditions. An algorithm developed to predict the effect of missense changes on protein structure and function (PolyPhen-2) suggests that this variant is likely to be disruptive. In summary, the available evidence is currently insufficient to determine the role of this variant in disease. Therefore, it has been classified as a Variant of Uncertain Significance.

NM_030912.3(TRIM8):c.1514C>T (p.Pro505Leu)

Gene: TRIM8 (tripartite motif containing 8; plus strand). Cytogenetic location: 10q24.32.
Variant type: single nucleotide variant.
Coding change: c.1514C>T on transcript NM_030912.3 (MANE Select); coding-DNA position 1514, C replaced by T.
Protein change: p.Pro505Leu; replaces proline 505 with leucine.
Molecular consequence: missense variant. On other transcripts: non-coding transcript variant (1).
Genome position (GRCh38, 1-based): chr10:102,657,212, C>T. VCF-style: chr10-102657212-C-T. GRCh37 (hg19) VCF-style: chr10-104416969-C-T.
Other names: c.1418C>T, p.Pro473Leu (NM_001345950.1); short protein forms P505L, P473L.
Identifiers: ClinVar variation 3678400 (VCV003678400.2).